The following is an entry in ClinVar:

NM_001244008.2(KIF1A):c.287A>G (p.Tyr96Cys)

Gene: KIF1A (kinesin family member 1A; minus strand). Cytogenetic location: 2q37.3.
Variant type: single nucleotide variant.
Coding change: c.287A>G on transcript NM_001244008.2 (MANE Select); coding-DNA position 287, A replaced by G.
Protein change: p.Tyr96Cys; replaces tyrosine 96 with cysteine.
Molecular consequence: missense variant.
Genome position (GRCh38, 1-based): chr2:240,788,127, T>C on the plus strand (A>G on the coding strand, the complement: KIF1A is on the minus strand). VCF-style: chr2-240788127-T-C. GRCh37 (hg19) VCF-style: chr2-241727544-T-C.
Other names: c.287A>G, p.Tyr96Cys (NM_001320705.2, NM_001330289.2, NM_001330290.2 and 20 more transcripts); short protein forms Y96C.
Identifiers: ClinVar variation 3765819 (VCV003765819.1).
Genomic context (GRCh38, chr2:240,788,127, plus strand): 5'-TGCTGGTCCTTCTCCTGCTTGCCCATCATGGTGTAGGACTTGCCGGCACCCGTCTGCCCA[T>C]AGGCGAAGATGCACACGTTGTATCCCTCAAAGGCATGCTGCAGCATCTCCTCGCCGATGT-3'
Protein context (NP_001230937.1, residues 86-106): FEGYNVCIFA[Tyr96Cys]GQTGAGKSYT

ClinVar aggregate classification (germline): Uncertain significance (1 of 4 stars; one submission).

Submission:

Greenwood Genetic Center Diagnostic Laboratories, Greenwood Genetic Center
Classification: Uncertain significance. Last evaluated: 2024-07-15. Review status: criteria provided, single submitter. Criteria: ACMG Guidelines, 2015. Collection method: clinical testing. Allele origin: germline. Affected: yes.
Comment: PM2, PP2, PP3